The following is an entry in ClinVar:

ClinVar aggregate classification (germline): Uncertain significance (1 of 4 stars; one submission).

Conditions:
Duchenne muscular dystrophy (DMD). Also called: MUSCULAR DYSTROPHY, PSEUDOHYPERTROPHIC PROGRESSIVE, DUCHENNE TYPE; Duchenne Muscular Dystrophy (DMD). Identifiers: Orphanet 98896, MedGen C0013264, MONDO:0010679, OMIM 310200.

Submission:

Labcorp Genetics (formerly Invitae), Labcorp
Classification: Uncertain significance for Duchenne muscular dystrophy. Last evaluated: 2019-06-21. Review status: criteria provided, single submitter. Criteria: Invitae Variant Classification Sherloc (09022015). Collection method: clinical testing. Allele origin: germline.
Comment: This variant results in a copy number gain of the genomic region encompassing exons 13-16 of the DMD gene. While the exact position of this variant cannot be determined from this data, sub-genic copy number gains are generally in tandem (PMID: 25640679). This variant would be expected to be in-frame, preserving the integrity of the reading frame. This variant has been observed in an individual affected with Becker muscular dystrophy (PMID: 22776072). Experimental studies and prediction algorithms are not available or were not evaluated for this variant, and the functional significance of the affected amino acid(s) is currently unknown. In summary, the available evidence is currently insufficient to determine the role of this variant in disease. Therefore, it has been classified as a Variant of Uncertain Significance.

Literature cited by the submitters: PubMed 22776072.

NC_000023.10:g.(?_32583799)_(32614013_?)dup

Genes: DMD (dystrophin; minus strand), MIR3915 (microRNA 3915; minus strand). Cytogenetic location: Xp21.1.
Variant type: Duplication.
Identifiers: ClinVar variation 455838 (VCV000455838.2).